The following is an entry in ClinVar:

NM_001375567.1(FOCAD):c.1781T>C (p.Ile594Thr)

Gene: FOCAD (focadhesin; plus strand). Cytogenetic location: 9p21.3.
Variant type: single nucleotide variant.
Coding change: c.1781T>C on transcript NM_001375567.1 (MANE Select); coding-DNA position 1781, T replaced by C.
Protein change: p.Ile594Thr; replaces isoleucine 594 with threonine.
Molecular consequence: missense variant.
Genome position (GRCh38, 1-based): chr9:20,821,059, T>C. VCF-style: chr9-20821059-T-C. GRCh37 (hg19) VCF-style: chr9-20821058-T-C.
Other names: c.1676T>C, p.Ile559Thr (NM_001375568.1, NM_001375570.1); c.1781T>C, p.Ile594Thr (NM_017794.5); short protein forms I559T, I594T.
Identifiers: ClinVar variation 3643043 (VCV003643043.2).

ClinVar aggregate classification (germline): Uncertain significance (1 of 4 stars; one submission).

gnomAD v4.1: 5 of 1,612,452 alleles (0.00031%); highest among the groups gnomAD compares: African/African-American, 0.0013%; no homozygotes.

Submission:

Labcorp Genetics (formerly Invitae), Labcorp
Classification: Uncertain significance. Last evaluated: 2024-06-18. Review status: criteria provided, single submitter. Criteria: Invitae Variant Classification Sherloc (09022015). Collection method: clinical testing. Allele origin: germline.
Comment: This sequence change replaces isoleucine, which is neutral and non-polar, with threonine, which is neutral and polar, at codon 594 of the FOCAD protein (p.Ile594Thr). This variant is present in population databases (rs772904307, gnomAD 0.002%). This variant has not been reported in the literature in individuals affected with FOCAD-related conditions. Experimental studies and prediction algorithms are not available or were not evaluated, and the functional significance of this variant is currently unknown. In summary, the available evidence is currently insufficient to determine the role of this variant in disease. Therefore, it has been classified as a Variant of Uncertain Significance.